The following is an entry in ClinVar:

ClinVar aggregate classification (germline): Uncertain significance (1 of 4 stars; one submission).

Conditions:
Inborn genetic diseases. Identifiers: MedGen C0950123, MeSH D030342.

Submission:

Ambry Genetics
Classification: Uncertain significance for Inborn genetic diseases. Last evaluated: 2024-03-22. Review status: criteria provided, single submitter. Criteria: Ambry Variant Classification Scheme 2023. Collection method: clinical testing. Allele origin: germline.
Comment: The p.S2327P variant (also known as c.6979T>C), located in coding exon 47 of the LRRK2 gene, results from a T to C substitution at nucleotide position 6979. The serine at codon 2327 is replaced by proline, an amino acid with similar properties. This amino acid position is conserved. In addition, the in silico prediction for this alteration is inconclusive. Based on the available evidence, the clinical significance of this alteration remains unclear.

NM_198578.4(LRRK2):c.6979T>C (p.Ser2327Pro)

Gene: LRRK2 (leucine rich repeat kinase 2; plus strand). Cytogenetic location: 12q12.
Variant type: single nucleotide variant.
Coding change: c.6979T>C on transcript NM_198578.4 (MANE Select); coding-DNA position 6979, T replaced by C.
Protein change: p.Ser2327Pro; replaces serine 2327 with proline.
Molecular consequence: missense variant.
Genome position (GRCh38, 1-based): chr12:40,359,395, T>C. VCF-style: chr12-40359395-T-C. GRCh37 (hg19) VCF-style: chr12-40753197-T-C.
Other names: short protein forms S2327P.
Identifiers: ClinVar variation 3291930 (VCV003291930.1).
Genomic context (GRCh38, chr12:40,359,395, plus strand): 5'-ACAAATTCAACGGAAAGAAATGTAATGTGGGGAGGATGTGGCACAAAGATTTTCTCCTTT[T>C]CTAATGATTTCACCATTCAGAAACTCATTGAGACAAGAACAAGCCAACTGTAAGTTATTT-3'
Protein context (NP_940980.4, residues 2317-2337): GGCGTKIFSF[Ser2327Pro]NDFTIQKLIE